The following is an entry in ClinVar:

ClinVar aggregate classification (germline): Uncertain significance. Review status: criteria provided, multiple submitters, no conflicts (2 of 4 stars). 3 submissions from 3 submitters: Uncertain significance (3). Last evaluated 2025-08-27.

Conditions:
Hereditary cancer-predisposing syndrome. Also called: Hereditary neoplastic syndrome; Hereditary Cancer Syndrome; Tumor predisposition; Neoplastic Syndromes, Hereditary. Identifiers: Orphanet 140162, MedGen C0027672, MeSH D009386, MONDO:0015356.
Gorlin syndrome. Also called: Nevoid Basal Cell Carcinoma Syndrome; Basal cell nevus syndrome. Identifiers: Orphanet 377, MedGen C0004779, MONDO:0007187.

gnomAD v4.1: 1 of 1,557,430 alleles (0.000064%); highest among the groups gnomAD compares: African/African-American, 0.0014%; no homozygotes.

Submissions (3):

Ambry Genetics
Classification: Uncertain significance for Hereditary cancer-predisposing syndrome. Last evaluated: 2025-08-27. Review status: criteria provided, single submitter. Criteria: Ambry Variant Classification Scheme 2023. Collection method: clinical testing. Allele origin: germline.
Comment: The p.P1194R variant (also known as c.3581C>G), located in coding exon 22 of the PTCH1 gene, results from a C to G substitution at nucleotide position 3581. The proline at codon 1194 is replaced by arginine, an amino acid with dissimilar properties. This amino acid position is conserved. In addition, the in silico prediction for this alteration is inconclusive. Based on the available evidence, the clinical significance of this variant remains unclear.

Labcorp Genetics (formerly Invitae), Labcorp
Classification: Uncertain significance for Gorlin syndrome. Last evaluated: 2024-12-02. Review status: criteria provided, single submitter. Criteria: Invitae Variant Classification Sherloc (09022015). Collection method: clinical testing. Allele origin: germline.
Comment: This sequence change replaces proline, which is neutral and non-polar, with arginine, which is basic and polar, at codon 1194 of the PTCH1 protein (p.Pro1194Arg). This variant is not present in population databases (gnomAD no frequency). This variant has not been reported in the literature in individuals affected with PTCH1-related conditions. ClinVar contains an entry for this variant (Variation ID: 971023). Invitae Evidence Modeling of protein sequence and biophysical properties (such as structural, functional, and spatial information, amino acid conservation, physicochemical variation, residue mobility, and thermodynamic stability) has been performed for this missense variant. However, the output from this modeling did not meet the statistical confidence thresholds required to predict the impact of this variant on PTCH1 protein function. In summary, the available evidence is currently insufficient to determine the role of this variant in disease. Therefore, it has been classified as a Variant of Uncertain Significance.

GeneDx
Classification: Uncertain significance. Last evaluated: 2023-11-28. Review status: criteria provided, single submitter. Criteria: GeneDx Variant Classification Process June 2021. Collection method: clinical testing. Allele origin: germline. Affected: yes.
Comment: Not observed at significant frequency in large population cohorts (gnomAD); In silico analysis supports that this missense variant does not alter protein structure/function; Has not been previously published as pathogenic or benign to our knowledge

NM_000264.5(PTCH1):c.3581C>G (p.Pro1194Arg)

Gene: PTCH1 (patched 1; minus strand). Cytogenetic location: 9q22.32.
Variant type: single nucleotide variant.
Coding change: c.3581C>G on transcript NM_000264.5 (MANE Select); coding-DNA position 3581, C replaced by G.
Protein change: p.Pro1194Arg; replaces proline 1194 with arginine.
Molecular consequence: missense variant. On other transcripts: non-coding transcript variant (1).
Genome position (GRCh38, 1-based): chr9:95,449,292, G>C on the plus strand (C>G on the coding strand, the complement: PTCH1 is on the minus strand). VCF-style: chr9-95449292-G-C. GRCh37 (hg19) VCF-style: chr9-98211574-G-C.
Other names: c.3383C>G, p.Pro1128Arg (NM_001083602.3); c.3578C>G, p.Pro1193Arg (NM_001083603.3); c.3128C>G, p.Pro1043Arg (NM_001083604.3, NM_001083605.3, NM_001083606.3 and 1 more transcripts); c.3425C>G, p.Pro1142Arg (NM_001354918.2); short protein forms P1128R, P1193R, P1194R, P1043R, P1142R.
Identifiers: ClinVar variation 971023 (VCV000971023.10), dbSNP rs1838236724, ClinGen allele CA374111357.